The following is an entry in ClinVar:

NM_002471.4(MYH6):c.244C>A (p.Pro82Thr)

Genes: MYH6 (myosin heavy chain 6; minus strand), LOC114827851 (VISTA enhancer hs2155; plus strand). Cytogenetic location: 14q11.2.
Variant type: single nucleotide variant.
Coding change: c.244C>A on transcript NM_002471.4 (MANE Select); coding-DNA position 244, C replaced by A.
Protein change: p.Pro82Thr; replaces proline 82 with threonine.
Molecular consequence: missense variant.
Genome position (GRCh38, 1-based): chr14:23,405,728, G>T on the plus strand (C>A on the coding strand, the complement: MYH6 is on the minus strand). VCF-style: chr14-23405728-G-T. GRCh37 (hg19) VCF-style: chr14-23874937-G-T.
Other names: short protein forms P82T.
Identifiers: ClinVar variation 3876462 (VCV003876462.11).
Genomic context (GRCh38, chr14:23,405,728, plus strand): 5'-GCACCGCGGGCTCGTGCAGGAAGGTCAGCATGGCCATGTCCTCAATCTTGTCGAACTTGG[G>T]TGGGTTCTGCTGCAACACCTGGTCCTCCTTCACAGTCACCGTCTGGAGGGGGCGCATAAG-3'
Protein context (NP_002462.2, residues 72-92): KEDQVLQQNP[Pro82Thr]KFDKIEDMAM

ClinVar aggregate classification (germline): Uncertain significance. Review status: criteria provided, multiple submitters, no conflicts (2 of 4 stars). 2 submissions from 2 submitters: Uncertain significance (2). Last evaluated 2025-06-01.

Conditions:
Cardiovascular phenotype. Identifiers: MedGen CN230736.

gnomAD v4.1: 5 of 1,614,026 alleles (0.00031%); highest among the groups gnomAD compares: Non-Finnish European, 0.00042%; no homozygotes.

Submissions (2):

CeGaT Center for Human Genetics Tuebingen
Classification: Uncertain significance. Last evaluated: 2025-06-01. Review status: criteria provided, single submitter. Criteria: CeGaT Center For Human Genetics Tuebingen Variant Classification Criteria Version 2. Collection method: clinical testing. Allele origin: germline. Affected: yes. Observed: 1 variant allele.
Comment: MYH6: PM2

Ambry Genetics
Classification: Uncertain significance for Cardiovascular phenotype. Last evaluated: 2025-02-22. Review status: criteria provided, single submitter. Criteria: Ambry Variant Classification Scheme 2023. Collection method: clinical testing. Allele origin: germline.
Comment: The p.P82T variant (also known as c.244C>A), located in coding exon 2 of the MYH6 gene, results from a C to A substitution at nucleotide position 244. The proline at codon 82 is replaced by threonine, an amino acid with highly similar properties. This amino acid position is conserved. In addition, the in silico prediction for this alteration is inconclusive. Based on the available evidence, the clinical significance of this variant remains unclear.